The following is an entry in ClinVar:

NM_002224.4(ITPR3):c.3181C>T (p.His1061Tyr)

Gene: ITPR3 (inositol 1,4,5-trisphosphate receptor type 3; plus strand). Cytogenetic location: 6p21.31.
Variant type: single nucleotide variant.
Coding change: c.3181C>T on transcript NM_002224.4 (MANE Select); coding-DNA position 3181, C replaced by T.
Protein change: p.His1061Tyr; replaces histidine 1061 with tyrosine.
Molecular consequence: missense variant.
Genome position (GRCh38, 1-based): chr6:33,675,755, C>T. VCF-style: chr6-33675755-C-T. GRCh37 (hg19) VCF-style: chr6-33643532-C-T.
Other names: short protein forms H1061Y.
Identifiers: ClinVar variation 3896885 (VCV003896885.1).
Genomic context (GRCh38, chr6:33,675,755, plus strand): 5'-ACAAGCAGCATGCTGGAGGTGGATGACGAGGGCGGCCGCATGTTCCTGCGCGTGCTCATC[C>T]ACCTCACCATGCACGACTATGCGCCGCTGGTCTCGGGTGCCCTGCAGCTGCTCTTCAAGC-3'
Protein context (NP_002215.2, residues 1051-1071): GGRMFLRVLI[His1061Tyr]LTMHDYAPLV

ClinVar aggregate classification (germline): Uncertain significance (1 of 4 stars; one submission).

gnomAD v4.1: 4 of 1,613,172 alleles (0.00025%); highest among the groups gnomAD compares: South Asian, 0.0011%; no homozygotes.

Submission:

Kariminejad - Najmabadi Pathology & Genetics Center
Classification: Uncertain significance. Last evaluated: 2022-02-24. Review status: criteria provided, single submitter. Criteria: ACMG Guidelines, 2015. Collection method: clinical testing. Allele origin: germline. Inheritance: Autosomal recessive inheritance. Affected: yes.
Comment: PM2, PP3